The following is an entry in ClinVar:

NM_001353214.3(DYM):c.1517C>T (p.Pro506Leu)

Gene: DYM (dymeclin; minus strand). Cytogenetic location: 18q21.1.
Variant type: single nucleotide variant.
Coding change: c.1517C>T on transcript NM_001353214.3 (MANE Select); coding-DNA position 1517, C replaced by T.
Protein change: p.Pro506Leu; replaces proline 506 with leucine.
Molecular consequence: missense variant. On other transcripts: intron variant (15).
Genome position (GRCh38, 1-based): chr18:49,209,659, G>A on the plus strand (C>T on the coding strand, the complement: DYM is on the minus strand). VCF-style: chr18-49209659-G-A. GRCh37 (hg19) VCF-style: chr18-46736029-G-A.
Other names: c.1514C>T, p.Pro505Leu (NM_001353212.3, NM_001353213.3); c.1517C>T, p.Pro506Leu (NM_001353215.3, NM_001374428.1, NM_001374430.1 and 1 more transcripts); c.1511C>T, p.Pro504Leu (NM_001374429.1); c.1391C>T, p.Pro464Leu (NM_001374432.1); c.947C>T, p.Pro316Leu (NM_001374441.1); c.1455-45872C>T (NM_001374439.1); c.1458-45872C>T (NM_001353211.3, NM_001374438.1, NM_001374435.1 and 1 more transcripts); c.888-45872C>T (NM_001374443.1); and 5 more; short protein forms P316L, P464L, P504L, P505L, P506L.
Identifiers: ClinVar variation 2648711 (VCV002648711.24), dbSNP rs150348470, ClinGen allele CA8958075.

ClinVar aggregate classification (germline): Likely benign (1 of 4 stars; one submission).

Allele frequency attached by ClinVar (database versions not stated): 1000 Genomes Project 30x 0.00297; 1000 Genomes Project 0.00319; gnomAD 0.00452; ExAC 0.00453; TOPMed 0.00481; gnomAD exomes 0.00689.
gnomAD v4.1: 8,476 of 1,289,348 alleles (0.66%); highest among the groups gnomAD compares: Non-Finnish European, 0.75%; 43 homozygotes.

Submission:

CeGaT Center for Human Genetics Tuebingen
Classification: Likely benign. Last evaluated: 2026-09-01. Review status: criteria provided, single submitter. Criteria: CeGaT Center For Human Genetics Tuebingen Variant Classification Criteria Version 2. Collection method: clinical testing. Allele origin: germline. Affected: yes. Observed: 10 variant alleles.
Comment: DYM: BS2